The following is an entry in ClinVar:

NM_201384.3(PLEC):c.12430G>A (p.Val4144Met)

Gene: PLEC (plectin; minus strand). Cytogenetic location: 8q24.3.
Variant type: single nucleotide variant.
Coding change: c.12430G>A on transcript NM_201384.3 (MANE Select); coding-DNA position 12430, G replaced by A.
Protein change: p.Val4144Met; replaces valine 4144 with methionine.
Molecular consequence: missense variant.
Genome position (GRCh38, 1-based): chr8:143,917,391, C>T on the plus strand (G>A on the coding strand, the complement: PLEC is on the minus strand). VCF-style: chr8-143917391-C-T. GRCh37 (hg19) VCF-style: chr8-144991559-C-T.
Other names: c.12511G>A, p.Val4171Met (NM_000445.5); c.12388G>A, p.Val4130Met (NM_201378.4); c.12364G>A, p.Val4122Met (NM_201379.3); c.12841G>A, p.Val4281Met (NM_201380.4); c.12334G>A, p.Val4112Met (NM_201381.3); c.12430G>A, p.Val4144Met (NM_201382.4); c.12442G>A, p.Val4148Met (NM_201383.3); short protein forms V4130M, V4112M, V4148M, V4171M, V4122M, V4144M, V4281M.
Identifiers: ClinVar variation 1433434 (VCV001433434.10), dbSNP rs541897170, ClinGen allele CA4924086.

ClinVar aggregate classification (germline): Uncertain significance. Review status: criteria provided, multiple submitters, no conflicts (2 of 4 stars). 2 submissions from 2 submitters: Uncertain significance (2). Last evaluated 2023-02-21.

Conditions:
Epidermolysis bullosa simplex 5B, with muscular dystrophy (EBS5B). Also called: EPIDERMOLYSIS BULLOSA SIMPLEX AND LIMB-GIRDLE MUSCULAR DYSTROPHY; Epidermolysis bullosa simplex with muscular dystrophy. Identifiers: Orphanet 257, MedGen C2931072, MONDO:0009181, OMIM 226670.
Epidermolysis bullosa simplex 5C, with pyloric atresia (EBS5C). Also called: Epidermolysis bullosa simplex with pyloric atresia; PLEC-Related Epidermolysis Bullosa with Pyloric Atresia; PLEC1-Related Epidermolysis Bullosa with Pyloric Atresia. Identifiers: Orphanet 158684, MedGen C2677349, MONDO:0012807, OMIM 612138.
Autosomal recessive limb-girdle muscular dystrophy type 2Q (LGMDR17). Also called: MUSCULAR DYSTROPHY, LIMB-GIRDLE, AUTOSOMAL RECESSIVE 17. Identifiers: Orphanet 254361, MedGen C3150989, MONDO:0013390, OMIM 613723.
Epidermolysis bullosa simplex with nail dystrophy (EBS5D). Identifiers: MedGen C4225309, MONDO:0014661, OMIM 616487.
Epidermolysis bullosa simplex, Ogna type (EBS5A). Also called: Pidermolysis bullosa simplex 5A, Ogna type; EPIDERMOLYSIS BULLOSA SIMPLEX 5A, OGNA TYPE. Identifiers: Orphanet 79401, MedGen C0432317, MONDO:0007555, OMIM 131950.

Allele frequency attached by ClinVar (database versions not stated): gnomAD 0.00001; gnomAD exomes 0.00001; ExAC 0.00002; 1000 Genomes Project 30x 0.00016; 1000 Genomes Project 0.00020.
gnomAD v4.1: 10 of 1,612,032 alleles (0.00062%); highest among the groups gnomAD compares: Admixed American, 0.0033%; no homozygotes.

Submissions (2):

Revvity Omics, Revvity
Classification: Uncertain significance. Last evaluated: 2023-02-21. Review status: criteria provided, single submitter. Criteria: ACMG Guidelines, 2015. Collection method: clinical testing. Allele origin: germline.

Labcorp Genetics (formerly Invitae), Labcorp
Classification: Uncertain significance for Autosomal recessive limb-girdle muscular dystrophy type 2Q; Epidermolysis bullosa simplex, Ogna type; Epidermolysis bullosa simplex with nail dystrophy; Epidermolysis bullosa simplex 5C, with pyloric atresia; Epidermolysis bullosa simplex 5B, with muscular dystrophy. Last evaluated: 2022-06-20. Review status: criteria provided, single submitter. Criteria: Invitae Variant Classification Sherloc (09022015). Collection method: clinical testing. Allele origin: germline.
Comment: This sequence change replaces valine, which is neutral and non-polar, with methionine, which is neutral and non-polar, at codon 4171 of the PLEC protein (p.Val4171Met). This variant is present in population databases (rs541897170, gnomAD 0.006%). This variant has not been reported in the literature in individuals affected with PLEC-related conditions. Algorithms developed to predict the effect of missense changes on protein structure and function are either unavailable or do not agree on the potential impact of this missense change (SIFT: "Deleterious"; PolyPhen-2: "Probably Damaging"; Align-GVGD: "Class C15"). In summary, the available evidence is currently insufficient to determine the role of this variant in disease. Therefore, it has been classified as a Variant of Uncertain Significance.